The following is an entry in ClinVar:

NM_152783.5(D2HGDH):c.107G>T (p.Cys36Phe)

Genes: D2HGDH (D-2-hydroxyglutarate dehydrogenase; plus strand), LOC129936032 (ATAC-STARR-seq lymphoblastoid silent region 12559; plus strand). Cytogenetic location: 2q37.3.
Variant type: single nucleotide variant.
Coding change: c.107G>T on transcript NM_152783.5 (MANE Select); coding-DNA position 107, G replaced by T.
Protein change: p.Cys36Phe; replaces cysteine 36 with phenylalanine.
Molecular consequence: missense variant. On other transcripts: 5 prime UTR variant (1), non-coding transcript variant (1), intron variant (1).
Genome position (GRCh38, 1-based): chr2:241,735,331, G>T. VCF-style: chr2-241735331-G-T. GRCh37 (hg19) VCF-style: chr2-242674746-G-T.
Other names: c.-438G>T (NM_001352824.2); c.-111+636G>T (NM_001287249.2); short protein forms C36F.
Identifiers: ClinVar variation 1418880 (VCV001418880.8), dbSNP rs762478969, ClinGen allele CA2221508.

ClinVar aggregate classification (germline): Uncertain significance (1 of 4 stars; one submission).

Conditions:
D-2-hydroxyglutaric aciduria 1 (D2HGA1). Identifiers: Orphanet 79315, MedGen C3152055, MONDO:0024554, OMIM 600721.

Allele frequency attached by ClinVar (database versions not stated): gnomAD exomes 0.00001; TOPMed 0.00002.
gnomAD v4.1: 13 of 1,546,826 alleles (0.00084%); highest among the groups gnomAD compares: Admixed American, 0.002%; no homozygotes.

Submission:

Labcorp Genetics (formerly Invitae), Labcorp
Classification: Uncertain significance for D-2-hydroxyglutaric aciduria 1. Last evaluated: 2022-08-10. Review status: criteria provided, single submitter. Criteria: Invitae Variant Classification Sherloc (09022015). Collection method: clinical testing. Allele origin: germline.
Comment: The frequency data for this variant in the population databases is considered unreliable, as metrics indicate poor data quality at this position in the gnomAD database. This sequence change replaces cysteine, which is neutral and slightly polar, with phenylalanine, which is neutral and non-polar, at codon 36 of the D2HGDH protein (p.Cys36Phe). This variant has not been reported in the literature in individuals affected with D2HGDH-related conditions. In summary, the available evidence is currently insufficient to determine the role of this variant in disease. Therefore, it has been classified as a Variant of Uncertain Significance. Algorithms developed to predict the effect of missense changes on protein structure and function output the following: SIFT: "Tolerated"; PolyPhen-2: "Benign"; Align-GVGD: "Class C0". The phenylalanine amino acid residue is found in multiple mammalian species, which suggests that this missense change does not adversely affect protein function. ClinVar contains an entry for this variant (Variation ID: 1418880).